The following is an entry in ClinVar:

NM_001395254.1(ZNF185):c.1308-3437C>T

Gene: ZNF185 (zinc finger protein 185 with LIM domain; plus strand). Cytogenetic location: Xq28.
Variant type: single nucleotide variant.
Coding change: c.1308-3437C>T on transcript NM_001395254.1 (MANE Select); 3437 bases into the intron before coding-DNA position 1308, C replaced by T.
Molecular consequence: intron variant. On other transcripts: missense variant (1).
Genome position (GRCh38, 1-based): chrX:152,941,830, C>T. VCF-style: chrX-152941830-C-T. GRCh37 (hg19) VCF-style: chrX-152110374-C-T.
Other names: c.122C>T, p.Ala41Val (NM_001178115.2); c.1212-3437C>T (NM_001388432.2, NM_001178108.2); c.1305-3437C>T (NM_001178106.1); c.1209-3437C>T (NM_007150.3); c.1218-3437C>T (NM_001178107.1); c.1122-3437C>T (NM_001178109.1); c.1032-3437C>T (NM_001178110.1); c.546-3437C>T (NM_001178113.2); short protein forms A41V.
Identifiers: ClinVar variation 4084029 (VCV004084029.8).
Genomic context (GRCh38, chrX:152,941,830, plus strand): 5'-CCGCCAGAGGTCGCCCGAGGATCACGAATGGGCCCGAGGAGCTGGCTGCCCCTTCCCCCG[C>T]GTAAGGTCTGAAGCCGCGGCCAGAGTGGCTTTGGGGTGACCGCGCGTGGACCGTCGCCGG-3'

ClinVar aggregate classification (germline): Likely benign (1 of 4 stars; one submission).

gnomAD v4.1: 75 of 1,154,347 alleles (0.0065%); highest among the groups gnomAD compares: Middle Eastern, 0.077%; no homozygotes.

Submission:

CeGaT Center for Human Genetics Tuebingen
Classification: Likely benign. Last evaluated: 2025-06-01. Review status: criteria provided, single submitter. Criteria: CeGaT Center For Human Genetics Tuebingen Variant Classification Criteria Version 2. Collection method: clinical testing. Allele origin: germline. Affected: yes. Observed: 1 variant allele.
Comment: ZNF185: BS2